The following is an entry in ClinVar:

ClinVar aggregate classification (germline): Conflicting classifications of pathogenicity. Review status: criteria provided, conflicting classifications (1 of 4 stars). 2 submissions from 2 submitters: Uncertain significance (1); Likely benign (1). Last evaluated 2026-06-04.

Conditions:
Hereditary cancer-predisposing syndrome. Also called: Tumor predisposition; Hereditary neoplastic syndrome; Neoplastic Syndromes, Hereditary; Hereditary Cancer Syndrome. Identifiers: Orphanet 140162, MedGen C0027672, MeSH D009386, MONDO:0015356.
Hereditary diffuse gastric adenocarcinoma (HDGC). Also called: DIFFUSE GASTRIC AND LOBULAR BREAST CANCER SYNDROME. Identifiers: Orphanet 26106, MedGen C1708349, MONDO:0007648, OMIM 137215.

Allele frequency attached by ClinVar (database versions not stated): gnomAD exomes 0.00001.
gnomAD v4.1: 1 of 1,489,862 alleles (0.000067%); no homozygotes.

Submissions (2):

Ambry Genetics
Classification: Likely benign for Hereditary cancer-predisposing syndrome. Last evaluated: 2026-06-04. Review status: criteria provided, single submitter. Criteria: Ambry Variant Classification Scheme 2023. Collection method: clinical testing. Allele origin: germline.

Labcorp Genetics (formerly Invitae), Labcorp
Classification: Uncertain significance for Hereditary diffuse gastric adenocarcinoma. Last evaluated: 2025-07-17. Review status: criteria provided, single submitter. Criteria: Invitae Variant Classification Sherloc (09022015). Collection method: clinical testing. Allele origin: germline.
Comment: This sequence change replaces alanine, which is neutral and non-polar, with valine, which is neutral and non-polar, at codon 10 of the CDH1 protein (p.Ala10Val). This variant is not present in population databases (gnomAD no frequency). This variant has not been reported in the literature in individuals affected with CDH1-related conditions. ClinVar contains an entry for this variant (Variation ID: 532451). An algorithm developed to predict the effect of missense changes on protein structure and function outputs the following: PolyPhen-2: "Benign". The valine amino acid residue is found in multiple mammalian species, which suggests that this missense change does not adversely affect protein function. In summary, the available evidence is currently insufficient to determine the role of this variant in disease. Therefore, it has been classified as a Variant of Uncertain Significance.

NM_004360.5(CDH1):c.29C>T (p.Ala10Val)

Gene: CDH1 (cadherin 1; plus strand). Cytogenetic location: 16q22.1.
Variant type: single nucleotide variant.
Coding change: c.29C>T on transcript NM_004360.5 (MANE Select); coding-DNA position 29, C replaced by T.
Protein change: p.Ala10Val; replaces alanine 10 with valine.
Molecular consequence: missense variant. On other transcripts: 5 prime UTR variant (2).
Genome position (GRCh38, 1-based): chr16:68,737,444, C>T. VCF-style: chr16-68737444-C-T. GRCh37 (hg19) VCF-style: chr16-68771347-C-T.
Other names: c.29C>T (LRG_301t1); c.29C>T, p.Ala10Val (NM_001317184.2); c.-1587C>T (NM_001317185.2); c.-1791C>T (NM_001317186.2); short protein forms A10V.
Identifiers: ClinVar variation 532451 (VCV000532451.11), dbSNP rs1375360857, ClinGen allele CA396451354.
Genomic context (GRCh38, chr16:68,737,444, plus strand): 5'-CGCCTGCCCTCGCTCGGCGTCCCCGGCCAGCCATGGGCCCTTGGAGCCGCAGCCTCTCGG[C>T]GCTGCTGCTGCTGCTGCAGGTACCCCGGATCCCCTGACTTGCGAGGGACGCATTCGGGCC-3'
Protein context (NP_004351.1, residues 1-20): MGPWSRSLS[Ala10Val]LLLLLQVSSW